The following is an entry in ClinVar:

ClinVar aggregate classification (germline): Uncertain significance (1 of 4 stars; one submission).

Submission:

Labcorp Genetics (formerly Invitae), Labcorp
Classification: Uncertain significance. Last evaluated: 2025-05-13. Review status: criteria provided, single submitter. Criteria: Invitae Variant Classification Sherloc (09022015). Collection method: clinical testing. Allele origin: germline.
Comment: This sequence change replaces tryptophan, which is neutral and slightly polar, with glycine, which is neutral and non-polar, at codon 3089 of the DCHS1 protein (p.Trp3089Gly). This variant is not present in population databases (gnomAD no frequency). This variant has not been reported in the literature in individuals affected with DCHS1-related conditions. Invitae Evidence Modeling of protein sequence and biophysical properties (such as structural, functional, and spatial information, amino acid conservation, physicochemical variation, residue mobility, and thermodynamic stability) indicates that this missense variant is not expected to disrupt DCHS1 protein function with a negative predictive value of 80%. In summary, the available evidence is currently insufficient to determine the role of this variant in disease. Therefore, it has been classified as a Variant of Uncertain Significance.

NM_003737.4(DCHS1):c.9265T>G (p.Trp3089Gly)

Gene: DCHS1 (dachsous cadherin-related 1; minus strand). Cytogenetic location: 11p15.4.
Variant type: single nucleotide variant.
Coding change: c.9265T>G on transcript NM_003737.4 (MANE Select); coding-DNA position 9265, T replaced by G.
Protein change: p.Trp3089Gly; replaces tryptophan 3089 with glycine.
Molecular consequence: missense variant.
Genome position (GRCh38, 1-based): chr11:6,622,411, A>C on the plus strand (T>G on the coding strand, the complement: DCHS1 is on the minus strand). VCF-style: chr11-6622411-A-C. GRCh37 (hg19) VCF-style: chr11-6643642-A-C.
Other names: short protein forms W3089G.
Identifiers: ClinVar variation 4742941 (VCV004742941.1).